The following is an entry in ClinVar:

ClinVar aggregate classification (germline): Pathogenic/Likely pathogenic. Review status: criteria provided, multiple submitters, no conflicts (2 of 4 stars). 2 submissions from 2 submitters: Pathogenic (1); Likely pathogenic (1). Last evaluated 2025-06-15.

Conditions:
Osteogenesis imperfecta (OI). Identifiers: Orphanet 666, MedGen C0029434, MeSH D010013, MONDO:0019019.

Allele frequency attached by ClinVar (database versions not stated): ExAC 0.00001; gnomAD 0.00001; ESP Exome Variant Server 0.00008.
gnomAD v4.1: 19 of 1,613,978 alleles (0.0012%); highest among the groups gnomAD compares: Non-Finnish European, 0.0014%; no homozygotes.

Submissions (2):

Labcorp Genetics (formerly Invitae), Labcorp
Classification: Pathogenic. Last evaluated: 2025-06-15. Review status: criteria provided, single submitter. Criteria: Invitae Variant Classification Sherloc (09022015). Collection method: clinical testing. Allele origin: germline.
Comment: This sequence change falls in intron 5 of the FKBP10 gene. It does not directly change the encoded amino acid sequence of the FKBP10 protein. It affects a nucleotide within the consensus splice site. This variant is present in population databases (rs368957257, gnomAD 0.002%). This variant has been observed in individual(s) with clinical features of osteogenesis imperfecta (internal data). ClinVar contains an entry for this variant (Variation ID: 2171136). Variants that disrupt the consensus splice site are a relatively common cause of aberrant splicing (PMID: 17576681, 9536098). Algorithms developed to predict the effect of sequence changes on RNA splicing suggest that this variant may disrupt the consensus splice site. This variant disrupts the c.918-3 nucleotide in the FKBP10 gene. Other variant(s) that disrupt this nucleotide have been determined to be pathogenic (PMID: 27762305). This suggests that this nucleotide is clinically significant, and that variants that disrupt this position are likely to be disease-causing. For these reasons, this variant has been classified as Pathogenic.

Women's Health and Genetics/Laboratory Corporation of America, LabCorp
Classification: Likely pathogenic for Osteogenesis imperfecta. Last evaluated: 2025-04-20. Review status: criteria provided, single submitter. Criteria: LabCorp Variant Classification Summary - May 2015. Collection method: clinical testing. Allele origin: germline.
Comment: Variant summary: FKBP10 c.918-3C>A alters a conserved nucleotide located close to a canonical splice site and therefore could affect mRNA splicing, leading to a significantly altered protein sequence. Several computational tools predict a significant impact on normal splicing: Three predict the variant weakens the canonical 3' splicing acceptor site. One predict the variant abolishes the canonical 3' splicing acceptor site. However, these predictions have yet to be confirmed by functional studies. Other variant(s) that disrupt this nucleotide have been determined to be pathogenic (PMID: 27762305). The variant allele was found at a frequency of 8e-06 in 251230 control chromosomes. c.918-3C>A has been observed as a homozygous genotype in at-least one individual(s) affected with features of Osteogenesis Imperfecta at our laboratory (internal data). To our knowledge, no experimental evidence demonstrating an impact on protein function has been reported. ClinVar contains an entry for this variant (Variation ID: 2171136). Based on the evidence outlined above, the variant was classified as likely pathogenic.

Literature cited by the submitters: PubMed 17576681 (cited by Labcorp Genetics (formerly Invitae), Labcorp); PubMed 9536098 (cited by Labcorp Genetics (formerly Invitae), Labcorp); PubMed 27762305 (cited by Labcorp Genetics (formerly Invitae), Labcorp).

NM_021939.4(FKBP10):c.918-3C>A

Gene: FKBP10 (FKBP prolyl isomerase 10; plus strand). Cytogenetic location: 17q21.2.
Variant type: single nucleotide variant.
Coding change: c.918-3C>A on transcript NM_021939.4 (MANE Select); 3 bases into the intron before coding-DNA position 918, C replaced by A.
Molecular consequence: intron variant.
Genome position (GRCh38, 1-based): chr17:41,819,527, C>A. VCF-style: chr17-41819527-C-A. GRCh37 (hg19) VCF-style: chr17-39975779-C-A.
Identifiers: ClinVar variation 2171136 (VCV002171136.7), dbSNP rs368957257, ClinGen allele CA8566428.